The following is an entry in ClinVar:

NM_152594.3(SPRED1):c.*4932A>G

Gene: SPRED1 (sprouty related EVH1 domain containing 1; plus strand). Cytogenetic location: 15q14.
Variant type: single nucleotide variant.
Coding change: c.*4932A>G on transcript NM_152594.3 (MANE Select); 4932 bases downstream of the stop codon, A replaced by G.
Molecular consequence: 3 prime UTR variant.
Genome position (GRCh38, 1-based): chr15:38,356,596, A>G. VCF-style: chr15-38356596-A-G. GRCh37 (hg19) VCF-style: chr15-38648797-A-G.
Identifiers: ClinVar variation 315785 (VCV000315785.6), dbSNP rs16966843, ClinGen allele CA10645824.
Genomic context (GRCh38, chr15:38,356,596, plus strand): 5'-AGCTTTTGATAATTAGCTCTGTTCTTTAAAAGTATACTTTTAAACTGAAAGTTCACATAT[A>G]GTTCATCTTAATAACATATTTATTCATCCTTAATTGTATTCAGATTTTTTTTTAAGTCTC-3'

ClinVar aggregate classification (germline): Benign. Review status: criteria provided, multiple submitters, no conflicts (2 of 4 stars). 2 submissions from 2 submitters: Benign (2). Last evaluated 2018-01-13.

Conditions:
Legius syndrome. Identifiers: Orphanet 137605, MedGen C1969623, MONDO:0012669, OMIM 611431. Disease mechanism: loss of function.

Allele frequency attached by ClinVar (database versions not stated): 1000 Genomes Project 0.15795; 1000 Genomes Project 30x 0.16146; TOPMed 0.19217; gnomAD 0.20003 and 0.20289.

Submissions (2):

Illumina Laboratory Services, Illumina
Classification: Benign for Legius syndrome. Last evaluated: 2018-01-13. Review status: criteria provided, single submitter. Criteria: ICSL Variant Classification Criteria 13 December 2019. Collection method: clinical testing. Allele origin: germline.
Comment: This variant was observed in the ICSL laboratory as part of a predisposition screen in an ostensibly healthy population. It had not been previously curated by ICSL or reported in the Human Gene Mutation Database (HGMD: prior to June 1st, 2018), and was therefore a candidate for classification through an automated scoring system. Utilizing variant allele frequency, disease prevalence and penetrance estimates, and inheritance mode, an automated score was calculated to assess if this variant is too frequent to cause the disease. Based on the score and internal cut-off values, a variant classified as benign is not then subjected to further curation. The score for this variant resulted in a classification of benign for this disease.

Breakthrough Genomics
Classification: Benign. Review status: criteria provided, single submitter. Criteria: ACMG Guidelines, 2015. Collection method: not provided. Allele origin: germline. Inheritance: Autosomal dominant inheritance. Affected: yes.